The following is an entry in ClinVar:

NM_144643.4(SCLT1):c.1660A>G (p.Ile554Val)

Gene: SCLT1 (sodium channel and clathrin linker 1; minus strand). Cytogenetic location: 4q28.2.
Variant type: single nucleotide variant.
Coding change: c.1660A>G on transcript NM_144643.4 (MANE Select); coding-DNA position 1660, A replaced by G.
Protein change: p.Ile554Val; replaces isoleucine 554 with valine.
Molecular consequence: missense variant. On other transcripts: synonymous variant (1).
Genome position (GRCh38, 1-based): chr4:128,936,824, T>C on the plus strand (A>G on the coding strand, the complement: SCLT1 is on the minus strand). VCF-style: chr4-128936824-T-C. GRCh37 (hg19) VCF-style: chr4-129857979-T-C.
Other names: c.1467A>G, p.Gln489= (NM_001410807.1); c.1660A>G (NM_144643.2, NM_144643.3); short protein forms I554V.
Identifiers: ClinVar variation 2087261 (VCV002087261.3), dbSNP rs768908934, ClinGen allele CA3079547.

ClinVar aggregate classification (germline): Conflicting classifications of pathogenicity. Review status: criteria provided, conflicting classifications (1 of 4 stars). 3 submissions from 3 submitters: Uncertain significance (2); Likely benign (1). Last evaluated 2025-03-05.

Conditions:
SCLT1-related disorder. Also called: SCLT1-related condition.

Allele frequency attached by ClinVar (database versions not stated): TOPMed below 0.00001; gnomAD 0.00001; gnomAD exomes 0.00001; ExAC 0.00004.
gnomAD v4.1: 11 of 1,585,178 alleles (0.00069%); highest among the groups gnomAD compares: East Asian, 0.0067%; no homozygotes.

Submissions (3):

PreventionGenetics, part of Exact Sciences
Classification: Uncertain significance for SCLT1-related condition. Last evaluated: 2025-03-05. Review status: criteria provided, single submitter. Criteria: ACMG Guidelines, 2015. Collection method: clinical testing. Allele origin: germline.
Comment: The SCLT1 c.1660A>G variant is predicted to result in the amino acid substitution p.Ile554Val. To our knowledge, this variant has not been reported in the literature. This variant is reported in 0.0050% of alleles in individuals of European (Non-Finnish) descent in gnomAD. At this time, the clinical significance of this variant is uncertain due to the absence of conclusive functional and genetic evidence.

Ambry Genetics
Classification: Likely benign. Last evaluated: 2023-09-22. Review status: criteria provided, single submitter. Criteria: Ambry Variant Classification Scheme 2023. Collection method: clinical testing. Allele origin: germline.

Labcorp Genetics (formerly Invitae), Labcorp
Classification: Uncertain significance. Last evaluated: 2022-06-08. Review status: criteria provided, single submitter. Criteria: Invitae Variant Classification Sherloc (09022015). Collection method: clinical testing. Allele origin: germline.
Comment: This sequence change replaces isoleucine, which is neutral and non-polar, with valine, which is neutral and non-polar, at codon 554 of the SCLT1 protein (p.Ile554Val). This variant is present in population databases (rs768908934, gnomAD 0.005%). This variant has not been reported in the literature in individuals affected with SCLT1-related conditions. Algorithms developed to predict the effect of missense changes on protein structure and function output the following: SIFT: "Tolerated"; PolyPhen-2: "Benign"; Align-GVGD: "Class C0". The valine amino acid residue is found in multiple mammalian species, which suggests that this missense change does not adversely affect protein function. Algorithms developed to predict the effect of sequence changes on RNA splicing suggest that this variant may create or strengthen a splice site. In summary, the available evidence is currently insufficient to determine the role of this variant in disease. Therefore, it has been classified as a Variant of Uncertain Significance.